The following is an entry in ClinVar:

ClinVar aggregate classification (germline): Pathogenic/Likely pathogenic. Review status: criteria provided, multiple submitters, no conflicts (2 of 4 stars). 2 submissions from 2 submitters: Pathogenic (1); Likely pathogenic (1). Last evaluated 2025-12-23.

Conditions:
Usher syndrome type 1F (USH1F). Also called: USHER SYNDROME, TYPE IF. Identifiers: Orphanet 231169, Orphanet 886, MedGen C1865885, MONDO:0011186, OMIM 602083.

Submissions (2):

Natera, Inc.
Classification: Likely pathogenic for Usher syndrome type 1F. Last evaluated: 2025-12-23. Review status: criteria provided, single submitter. Criteria: Natera Variant Classification Schema (03/2026). Collection method: clinical testing. Allele origin: germline.
Comment: The c.1303del variant in PCDH15 is a frameshift variant predicted to shift the reading frame beginning at codon 435 and leads to a stop codon 11 codons downstream. This variant is expected to result in nonsense mediated decay, truncation, or a dysfunctional protein product. This variant is rare in the general population with a frequency below the threshold expected for the associated phenotype(s). Given the available evidence, this variant is classified as Likely Pathogenic.

Labcorp Genetics (formerly Invitae), Labcorp
Classification: Pathogenic. Last evaluated: 2025-11-24. Review status: criteria provided, single submitter. Criteria: Invitae Variant Classification Sherloc (09022015). Collection method: clinical testing. Allele origin: germline.
Comment: This sequence change creates a premature translational stop signal (p.Asp435Ilefs*11) in the PCDH15 gene. It is expected to result in an absent or disrupted protein product. Loss-of-function variants in PCDH15 are known to be pathogenic (PMID: 11398101, 11487575, 14570705). This variant is not present in population databases (gnomAD no frequency). This variant has not been reported in the literature in individuals affected with PCDH15-related conditions. For these reasons, this variant has been classified as Pathogenic.

Literature cited by the submitters: PubMed 11398101 (cited by Labcorp Genetics (formerly Invitae), Labcorp); PubMed 11487575 (cited by Labcorp Genetics (formerly Invitae), Labcorp); PubMed 14570705 (cited by Labcorp Genetics (formerly Invitae), Labcorp).

NM_001384140.1(PCDH15):c.1303del (p.Asp435fs)

Gene: PCDH15 (protocadherin related 15; minus strand). Cytogenetic location: 10q21.1.
Variant type: Deletion.
Coding change: c.1303del on transcript NM_001384140.1 (MANE Select); coding-DNA position 1303, one base deleted (G; older notation c.1303delG).
Protein change: p.Asp435fs; shifts the reading frame from aspartic acid 435.
Molecular consequence: frameshift variant.
Genome position (GRCh38, 1-based): chr10:54,195,685, C deleted on the plus strand (G on the coding strand, the reverse complement: PCDH15 is on the minus strand). VCF-style (leftmost placement, unchanged base first): chr10-54195684-TC-T. GRCh37 (hg19) VCF-style: chr10-55955444-TC-T.
Other names: c.1318del, p.Asp440fs (NM_001142763.2, NM_001142771.2); c.1303del, p.Asp435fs (NM_001142764.2, NM_001142765.2, NM_001142766.2 and 7 more transcripts); c.1192del, p.Asp398fs (NM_001142767.2); c.1237del, p.Asp413fs (NM_001142768.2, NM_001142773.2, NM_001354404.2); c.1318delG, p.Asp440Metfs (NM_001142769.4); short protein forms D398fs, D413fs, D435fs, D440fs.
Identifiers: ClinVar variation 4810592 (VCV004810592.2).
Genomic context (GRCh38, chr10:54,195,684, plus strand): 5'-CATTAATGGAAATATGAGATTTGTTACACAAACAAGAGCAAAATATGTATTTAACTTACA[TC>T]TTCTATGTCCTTGTCCAGAGCTACTATTCTTAAAGGTGAAGTCAAATTGAGACTGTCCGA-3'